The following is an entry in ClinVar:

NM_001142800.2(EYS):c.1030G>C (p.Gly344Arg)

Gene: EYS (EGF-like photoreceptor maintenance factor; minus strand). Cytogenetic location: 6q12.
Variant type: single nucleotide variant.
Coding change: c.1030G>C on transcript NM_001142800.2 (MANE Select); coding-DNA position 1030, G replaced by C.
Protein change: p.Gly344Arg; replaces glycine 344 with arginine.
Molecular consequence: missense variant.
Genome position (GRCh38, 1-based): chr6:65,405,200, C>G on the plus strand (G>C on the coding strand, the complement: EYS is on the minus strand). VCF-style: chr6-65405200-C-G. GRCh37 (hg19) VCF-style: chr6-66115093-C-G.
Other names: c.1030G>C, p.Gly344Arg (NM_001142801.2, NM_001292009.2, NM_198283.2); short protein forms G344R.
Identifiers: ClinVar variation 1998944 (VCV001998944.4), dbSNP rs2533376646, ClinGen allele CA364662609.

ClinVar aggregate classification (germline): Uncertain significance (1 of 4 stars; one submission).

Submission:

Labcorp Genetics (formerly Invitae), Labcorp
Classification: Uncertain significance. Last evaluated: 2022-07-29. Review status: criteria provided, single submitter. Criteria: Invitae Variant Classification Sherloc (09022015). Collection method: clinical testing. Allele origin: germline.
Comment: This variant has not been reported in the literature in individuals affected with EYS-related conditions. This variant is not present in population databases (gnomAD no frequency). Algorithms developed to predict the effect of missense changes on protein structure and function (SIFT, PolyPhen-2, Align-GVGD) all suggest that this variant is likely to be tolerated. In summary, the available evidence is currently insufficient to determine the role of this variant in disease. Therefore, it has been classified as a Variant of Uncertain Significance. This sequence change replaces glycine, which is neutral and non-polar, with arginine, which is basic and polar, at codon 344 of the EYS protein (p.Gly344Arg).